The following is an entry in ClinVar:

ClinVar aggregate classification (germline): Benign. Review status: criteria provided, multiple submitters, no conflicts (2 of 4 stars). 2 submissions from 2 submitters: Benign (2). Last evaluated 2018-01-13.

Conditions:
D-2-hydroxyglutaric aciduria 1 (D2HGA1). Identifiers: Orphanet 79315, MedGen C3152055, MONDO:0024554, OMIM 600721.

Allele frequency attached by ClinVar (database versions not stated): TOPMed 0.00332; gnomAD 0.00382 and 0.00457; ESP Exome Variant Server 0.00411; 1000 Genomes Project 0.00699; 1000 Genomes Project 30x 0.00703; gnomAD exomes 0.00768; ExAC 0.01234.
gnomAD v4.1: 10,776 of 1,565,728 alleles (0.69%); highest among the groups gnomAD compares: South Asian, 3%; 92 homozygotes.

Submissions (2):

Illumina Laboratory Services, Illumina
Classification: Benign for D-2-hydroxyglutaric aciduria 1. Last evaluated: 2018-01-13. Review status: criteria provided, single submitter. Criteria: ICSL Variant Classification Criteria 13 December 2019. Collection method: clinical testing. Allele origin: germline.
Comment: This variant was observed in the ICSL laboratory as part of a predisposition screen in an ostensibly healthy population. It had not been previously curated by ICSL or reported in the Human Gene Mutation Database (HGMD: prior to June 1st, 2018), and was therefore a candidate for classification through an automated scoring system. Utilizing variant allele frequency, disease prevalence and penetrance estimates, and inheritance mode, an automated score was calculated to assess if this variant is too frequent to cause the disease. Based on the score and internal cut-off values, a variant classified as benign is not then subjected to further curation. The score for this variant resulted in a classification of benign for this disease.

Breakthrough Genomics
Classification: Benign. Review status: criteria provided, single submitter. Criteria: ACMG Guidelines, 2015. Collection method: not provided. Allele origin: germline. Inheritance: Autosomal recessive inheritance. Affected: yes.

NM_152783.5(D2HGDH):c.*27C>T

Gene: D2HGDH (D-2-hydroxyglutarate dehydrogenase; plus strand). Cytogenetic location: 2q37.3.
Variant type: single nucleotide variant.
Coding change: c.*27C>T on transcript NM_152783.5 (MANE Select); 27 bases downstream of the stop codon, C replaced by T.
Molecular consequence: 3 prime UTR variant. On other transcripts: non-coding transcript variant (1).
Genome position (GRCh38, 1-based): chr2:241,767,996, C>T. VCF-style: chr2-241767996-C-T. GRCh37 (hg19) VCF-style: chr2-242707411-C-T.
Other names: c.*27C>T (NM_001287249.2, NM_001352824.2).
Identifiers: ClinVar variation 335327 (VCV000335327.6), dbSNP rs150707660, ClinGen allele CA2222267.